The following is an entry in ClinVar:

ClinVar aggregate classification (germline): Uncertain significance (1 of 4 stars; one submission).

Conditions:
Familial thoracic aortic aneurysm and aortic dissection (TAAD). Also called: Thoracic aortic aneurysms and dissections. Identifiers: Orphanet 91387, MedGen C4707243, MONDO:0019625.

Submission:

Ambry Genetics
Classification: Uncertain significance for Familial thoracic aortic aneurysm and aortic dissection. Last evaluated: 2024-11-27. Review status: criteria provided, single submitter. Criteria: Ambry Variant Classification Scheme 2023. Collection method: clinical testing. Allele origin: germline.
Comment: The p.Q301R variant (also known as c.902A>G), located in coding exon 7 of the MYLK gene, results from an A to G substitution at nucleotide position 902. The glutamine at codon 301 is replaced by arginine, an amino acid with highly similar properties. This amino acid position is not well conserved in available vertebrate species. In addition, this alteration is predicted to be tolerated by in silico analysis. Based on the available evidence, the clinical significance of this variant remains unclear.

NM_053025.4(MYLK):c.902A>G (p.Gln301Arg)

Gene: MYLK (myosin light chain kinase; minus strand). Cytogenetic location: 3q21.1.
Variant type: single nucleotide variant.
Coding change: c.902A>G on transcript NM_053025.4 (MANE Select); coding-DNA position 902, A replaced by G.
Protein change: p.Gln301Arg; replaces glutamine 301 with arginine.
Molecular consequence: missense variant.
Genome position (GRCh38, 1-based): chr3:123,734,094, T>C on the plus strand (A>G on the coding strand, the complement: MYLK is on the minus strand). VCF-style: chr3-123734094-T-C. GRCh37 (hg19) VCF-style: chr3-123452941-T-C.
Other names: c.374A>G, p.Gln125Arg (NM_001321309.2); c.902A>G, p.Gln301Arg (NM_053026.4, NM_053027.4, NM_053028.4); short protein forms Q125R, Q301R.
Identifiers: ClinVar variation 3401130 (VCV003401130.1).